The following is an entry in ClinVar:

ClinVar aggregate classification (germline): Uncertain significance (1 of 4 stars; one submission).

Conditions:
Combined immunodeficiency due to STK4 deficiency (IMD110). Also called: T-cell immunodeficiency, recurrent infections, and autoimmunity with or without cardiac malformations; STK4 DEFICIENCY; MST1 DEFICIENCY. Identifiers: Orphanet 314689, MedGen C3553943, MONDO:0013934, OMIM 614868.

Submission:

Labcorp Genetics (formerly Invitae), Labcorp
Classification: Uncertain significance for Combined immunodeficiency due to STK4 deficiency. Last evaluated: 2022-08-21. Review status: criteria provided, single submitter. Criteria: Invitae Variant Classification Sherloc (09022015). Collection method: clinical testing. Allele origin: germline.
Comment: Advanced modeling of protein sequence and biophysical properties (such as structural, functional, and spatial information, amino acid conservation, physicochemical variation, residue mobility, and thermodynamic stability) performed at Invitae indicates that this missense variant is not expected to disrupt STK4 protein function. This variant has not been reported in the literature in individuals affected with STK4-related conditions. This variant is not present in population databases (gnomAD no frequency). This sequence change replaces phenylalanine, which is neutral and non-polar, with leucine, which is neutral and non-polar, at codon 142 of the STK4 protein (p.Phe142Leu). In summary, the available evidence is currently insufficient to determine the role of this variant in disease. Therefore, it has been classified as a Variant of Uncertain Significance.

NM_006282.5(STK4):c.424T>C (p.Phe142Leu)

Gene: STK4 (serine/threonine kinase 4; plus strand). Cytogenetic location: 20q13.12.
Variant type: single nucleotide variant.
Coding change: c.424T>C on transcript NM_006282.5 (MANE Select); coding-DNA position 424, T replaced by C.
Protein change: p.Phe142Leu; replaces phenylalanine 142 with leucine.
Molecular consequence: missense variant.
Genome position (GRCh38, 1-based): chr20:44,987,195, T>C. VCF-style: chr20-44987195-T-C. GRCh37 (hg19) VCF-style: chr20-43615836-T-C.
Other names: c.424T>C, p.Phe142Leu (NM_001352385.2); short protein forms F142L.
Identifiers: ClinVar variation 1717300 (VCV001717300.6), dbSNP rs2515613983, ClinGen allele CA409124265.
Genomic context (GRCh38, chr20:44,987,195, plus strand): 5'-ACAGAAGATGAAATAGCTACAATATTACAATCAACTCTTAAGGGACTTGAATACCTTCAT[T>C]TTATGAGAAAAATACACCGAGATATCAAGGCAGGAAATATTTTGCTAAATACAGAAGGAC-3'
Protein context (NP_006273.1, residues 132-152): STLKGLEYLH[Phe142Leu]MRKIHRDIKA